The following is an entry in ClinVar:

ClinVar aggregate classification (germline): Uncertain significance (1 of 4 stars; one submission).

Conditions:
DICER1-related tumor predisposition. Also called: DICER1-related pleuropulmonary blastoma cancer predisposition syndrome; DICER1 syndrome. Identifiers: Orphanet 284343, MedGen C3839822, MONDO:0100216.

Submission:

Labcorp Genetics (formerly Invitae), Labcorp
Classification: Uncertain significance for DICER1-related tumor predisposition. Last evaluated: 2024-08-27. Review status: criteria provided, single submitter. Criteria: Invitae Variant Classification Sherloc (09022015). Collection method: clinical testing. Allele origin: germline.
Comment: This sequence change replaces asparagine, which is neutral and polar, with tyrosine, which is neutral and polar, at codon 1029 of the DICER1 protein (p.Asn1029Tyr). This variant is not present in population databases (gnomAD no frequency). This variant has not been reported in the literature in individuals affected with DICER1-related conditions. Invitae Evidence Modeling of protein sequence and biophysical properties (such as structural, functional, and spatial information, amino acid conservation, physicochemical variation, residue mobility, and thermodynamic stability) indicates that this missense variant is not expected to disrupt DICER1 protein function with a negative predictive value of 80%. In summary, the available evidence is currently insufficient to determine the role of this variant in disease. Therefore, it has been classified as a Variant of Uncertain Significance.

NM_177438.3(DICER1):c.3085A>T (p.Asn1029Tyr)

Gene: DICER1 (dicer 1, ribonuclease III; minus strand). Cytogenetic location: 14q32.13.
Variant type: single nucleotide variant.
Coding change: c.3085A>T on transcript NM_177438.3 (MANE Select); coding-DNA position 3085, A replaced by T.
Protein change: p.Asn1029Tyr; replaces asparagine 1029 with tyrosine.
Molecular consequence: missense variant. On other transcripts: non-coding transcript variant (6).
Genome position (GRCh38, 1-based): chr14:95,105,686, T>A on the plus strand (A>T on the coding strand, the complement: DICER1 is on the minus strand). VCF-style: chr14-95105686-T-A. GRCh37 (hg19) VCF-style: chr14-95572023-T-A.
Other names: c.3085A>T, p.Asn1029Tyr (NM_001195573.1, NM_001271282.3, NM_001291628.2 and 12 more transcripts); c.2803A>T, p.Asn935Tyr (NM_001395686.1); c.2680A>T, p.Asn894Tyr (NM_001395687.1, NM_001395688.1, NM_001395689.1 and 2 more transcripts); c.2518A>T, p.Asn840Tyr (NM_001395691.1); c.1402A>T, p.Asn468Tyr (NM_001395697.1); short protein forms N468Y, N840Y, N935Y, N1029Y, N894Y.
Identifiers: ClinVar variation 3663470 (VCV003663470.2).